The following is an entry in ClinVar:

NM_001206927.2(DNAH8):c.3538G>A (p.Ala1180Thr)

Gene: DNAH8 (dynein axonemal heavy chain 8; plus strand). Cytogenetic location: 6p21.2.
Variant type: single nucleotide variant.
Coding change: c.3538G>A on transcript NM_001206927.2 (MANE Select); coding-DNA position 3538, G replaced by A.
Protein change: p.Ala1180Thr; replaces alanine 1180 with threonine.
Molecular consequence: missense variant.
Genome position (GRCh38, 1-based): chr6:38,822,852, G>A. VCF-style: chr6-38822852-G-A. GRCh37 (hg19) VCF-style: chr6-38790628-G-A.
Other names: c.2887G>A, p.Ala963Thr (NM_001371.4); short protein forms A1180T, A963T.
Identifiers: ClinVar variation 454569 (VCV000454569.7), dbSNP rs201917454, ClinGen allele CA3788877.

ClinVar aggregate classification (germline): Uncertain significance. Review status: criteria provided, multiple submitters, no conflicts (2 of 4 stars). 2 submissions from 2 submitters: Uncertain significance (2). Last evaluated 2025-06-06.

Conditions:
Primary ciliary dyskinesia. Also called: Ciliary dyskinesia. Identifiers: Orphanet 244, MedGen C0008780, MONDO:0016575, HP:0012265.

Allele frequency attached by ClinVar (database versions not stated): ExAC 0.00009; gnomAD 0.00009 and 0.00011; gnomAD exomes 0.00011 and 0.00008; ESP Exome Variant Server 0.00015; TOPMed 0.00008.
gnomAD v4.1: 181 of 1,593,726 alleles (0.011%); highest among the groups gnomAD compares: Middle Eastern, 0.017%; no homozygotes.

Submissions (2):

Ambry Genetics
Classification: Uncertain significance. Last evaluated: 2025-06-06. Review status: criteria provided, single submitter. Criteria: Ambry Variant Classification Scheme 2023. Collection method: clinical testing. Allele origin: germline.

Labcorp Genetics (formerly Invitae), Labcorp
Classification: Uncertain significance for Primary ciliary dyskinesia. Last evaluated: 2022-08-15. Review status: criteria provided, single submitter. Criteria: Invitae Variant Classification Sherloc (09022015). Collection method: clinical testing. Allele origin: germline.
Comment: This sequence change replaces alanine, which is neutral and non-polar, with threonine, which is neutral and polar, at codon 1180 of the DNAH8 protein (p.Ala1180Thr). This variant is present in population databases (rs201917454, gnomAD 0.02%). This variant has not been reported in the literature in individuals affected with DNAH8-related conditions. ClinVar contains an entry for this variant (Variation ID: 454569). Algorithms developed to predict the effect of missense changes on protein structure and function output the following: SIFT: "Tolerated"; PolyPhen-2: "Not Available"; Align-GVGD: "Class C0". The threonine amino acid residue is found in multiple mammalian species, which suggests that this missense change does not adversely affect protein function. In summary, the available evidence is currently insufficient to determine the role of this variant in disease. Therefore, it has been classified as a Variant of Uncertain Significance.